The following is an entry in ClinVar:

NM_007294.4(BRCA1):c.5075-1G>C

Gene: BRCA1 (BRCA1 DNA repair associated; minus strand). Cytogenetic location: 17q21.31.
Variant type: single nucleotide variant.
Coding change: c.5075-1G>C on transcript NM_007294.4 (MANE Select); the canonical splice acceptor site of the intron before coding-DNA position 5075, G replaced by C.
Molecular consequence: splice acceptor variant. On other transcripts: intron variant (2).
Genome position (GRCh38, 1-based): chr17:43,063,952, C>G on the plus strand (G>C on the coding strand, the complement: BRCA1 is on the minus strand). VCF-style: chr17-43063952-C-G. GRCh37 (hg19) VCF-style: chr17-41215969-C-G.
Other names: IVS17-1G>C; c.5075-1G>C (NM_001407598.1, NM_001407602.1, NM_001407596.1 and 7 more transcripts); c.1550-1G>C (NM_001408492.1, NM_001408493.1); c.1619-1G>C (NM_001408468.1, NM_001408470.1, NM_001408469.1); c.4928-1G>C (NM_001407842.1, NM_001407846.1, NM_001407844.1 and 12 more transcripts); c.4931-1G>C (NM_001407749.1, NM_001407743.1, NM_001407735.1 and 21 more transcripts); c.1502-1G>C (NM_001408501.1, NM_001408496.1, NM_001408500.1 and 3 more transcripts); c.1625-1G>C (NM_001408455.1, NM_001408456.1, NM_001408452.1 and 3 more transcripts); and 74 more.
Identifiers: ClinVar variation 125759 (VCV000125759.19), dbSNP rs1800747, ClinGen allele CA003205.

ClinVar aggregate classification (germline): Pathogenic. Review status: criteria provided, multiple submitters, no conflicts (2 of 4 stars). 5 submissions from 5 submitters: Pathogenic (4). 1 of the submissions does not count toward it. Last evaluated 2024-09-27.

Conditions:
Hereditary cancer-predisposing syndrome. Also called: Tumor predisposition; Hereditary neoplastic syndrome; Hereditary Cancer Syndrome; Neoplastic Syndromes, Hereditary. Identifiers: Orphanet 140162, MedGen C0027672, MeSH D009386, MONDO:0015356.
Hereditary breast ovarian cancer syndrome. Also called: Hereditary breast and/or ovarian cancer syndrome; Breast and ovarian cancer; Hereditary breast and ovarian cancer syndrome; Hereditary breast and ovarian cancer; Hereditary breast and ovarian cancer syndrome (HBOC); BRCA1- and BRCA2-Associated Hereditary Breast and Ovarian Cancer. Identifiers: Orphanet 145, MedGen C0677776, MeSH D061325, MONDO:0003582. Disease mechanism: loss of function.
Breast-ovarian cancer, familial, susceptibility to, 1 (BROVCA1). Also called: BRCA1 Hereditary Breast and Ovarian Cancer; OVARIAN CANCER, SUSCEPTIBILITY TO. Identifiers: Orphanet 145, MedGen C2676676, MONDO:0011450, OMIM 604370. Disease mechanism: loss of function.

Submissions (6):

Ambry Genetics
Classification: Pathogenic for Hereditary cancer-predisposing syndrome. Last evaluated: 2024-09-27. Review status: criteria provided, single submitter. Criteria: Ambry Variant Classification Scheme 2023. Collection method: clinical testing. Allele origin: germline.
Comment: The c.5075-1G>C intronic pathogenic mutation results from a G to C substitution one nucleotide upstream from coding exon 16 of the BRCA1 gene. One functional study found that this nucleotide substitution is non-functional in a high-throughput, genome editing, haploid cell survival assay (Findlay GM et al. Nature, 2018 Oct;562:217-222). RNA studies have shown this alteration to result in the in-frame skipping of coding exon 16 (exon 18 in the literature) and the impacted region is critical for protein function (Ambry internal data; Steffensen AY et al. Eur J Hum Genet, 2014 Dec;22:1362-8). This nucleotide position is highly conserved in available vertebrate species. In silico splice site analysis predicts that this alteration will weaken the native splice acceptor site. This variant is considered to be rare based on population cohorts in the Genome Aggregation Database (gnomAD). Alterations that disrupt the canonical splice site are expected to cause aberrant splicing, resulting in an abnormal protein or a transcript that is subject to nonsense-mediated mRNA decay. Based on the supporting evidence, this alteration is interpreted as a disease-causing mutation.

Baylor Genetics
Classification: Pathogenic for Breast-ovarian cancer, familial, susceptibility to, 1. Last evaluated: 2023-05-09. Review status: criteria provided, single submitter. Criteria: ACMG Guidelines, 2015. Collection method: clinical testing. Allele origin: unknown.

Labcorp Genetics (formerly Invitae), Labcorp
Classification: Pathogenic for Hereditary breast ovarian cancer syndrome. Last evaluated: 2022-10-24. Review status: criteria provided, single submitter. Criteria: Invitae Variant Classification Sherloc (09022015). Collection method: clinical testing. Allele origin: germline.
Comment: Disruption of this splice site has been observed in individual(s) with a personal and/or family history of breast and ovarian cancer (PMID: 29446198, 30287823). For these reasons, this variant has been classified as Pathogenic. This variant disrupts a region of the BRCA1 protein in which other variant(s) (p.Arg1699Trp, p.Leu1705Pro) have been determined to be pathogenic (PMID: 10811118, 11157798, 21473589, 26951538, 30209399; Invitae). This suggests that this is a clinically significant region of the protein, and that variants that disrupt it are likely to be disease-causing. Studies have shown that disruption of this splice site results in skipping of exon 17 (also known as exon 18), but is expected to preserve the integrity of the reading-frame (PMID: 24667779). Experimental studies have shown that disruption of this splice site affects BRCA1 function (PMID: 30209399). Algorithms developed to predict the effect of variants on protein structure and function are not available or were not evaluated for this variant. ClinVar contains an entry for this variant (Variation ID: 125759). This variant is not present in population databases (gnomAD no frequency). This sequence change affects an acceptor splice site in intron 16 of the BRCA1 gene. RNA analysis indicates that disruption of this splice site induces altered splicing and likely results in a shortened protein product.

Consortium of Investigators of Modifiers of BRCA1/2 (CIMBA), c/o University of Cambridge
Classification: Pathogenic for Breast-ovarian cancer, familial, susceptibility to, 1. Last evaluated: 2015-10-02. Review status: criteria provided, single submitter. Criteria: CIMBA Mutation Classification guidelines May 2016. Collection method: clinical testing. Allele origin: germline.

Breast Cancer Information Core (BIC) (BRCA1)
Classification: Pathogenic for Breast-ovarian cancer, familial 1. Review status: no assertion criteria provided. Collection method: clinical testing. Allele origin: germline. Affected: yes. Observed: 1 variant allele. Not counted in ClinVar's aggregate classification.

Brotman Baty Institute, University of Washington
No classification provided (evidence only). Condition: Breast-ovarian cancer, familial 1. Review status: no classification provided. Collection method: in vitro. Allele origin: not applicable. Functional consequence: functionally_abnormal. Not counted in ClinVar's aggregate classification.
ClinVar note: "not provided" was previously submitted as the classification for the variant. However, the classification appeared to be based only on an observation of functional data so it was converted to no classification on 2025-07-30.

Literature cited by the submitters: PubMed 24667779 (cited by Ambry Genetics and Labcorp Genetics (formerly Invitae), Labcorp); PubMed 30209399 (cited by Ambry Genetics and Labcorp Genetics (formerly Invitae), Labcorp); PubMed 29446198 (cited by Labcorp Genetics (formerly Invitae), Labcorp); PubMed 30287823 (cited by Labcorp Genetics (formerly Invitae), Labcorp); PubMed 10811118 (cited by Labcorp Genetics (formerly Invitae), Labcorp); PubMed 11157798 (cited by Labcorp Genetics (formerly Invitae), Labcorp); PubMed 21473589 (cited by Labcorp Genetics (formerly Invitae), Labcorp); PubMed 26951538 (cited by Labcorp Genetics (formerly Invitae), Labcorp).